The following is an entry in ClinVar:

NM_006445.4(PRPF8):c.322A>G (p.Met108Val)

Gene: PRPF8 (pre-mRNA processing factor 8; minus strand). Cytogenetic location: 17p13.3.
Variant type: single nucleotide variant.
Coding change: c.322A>G on transcript NM_006445.4 (MANE Select); coding-DNA position 322, A replaced by G.
Protein change: p.Met108Val; replaces methionine 108 with valine.
Molecular consequence: missense variant.
Genome position (GRCh38, 1-based): chr17:1,682,241, T>C on the plus strand (A>G on the coding strand, the complement: PRPF8 is on the minus strand). VCF-style: chr17-1682241-T-C. GRCh37 (hg19) VCF-style: chr17-1585535-T-C.
Other names: short protein forms M108V.
Identifiers: ClinVar variation 1020962 (VCV001020962.5), dbSNP rs1226483167, ClinGen allele CA397570108.

ClinVar aggregate classification (germline): Uncertain significance (1 of 4 stars; one submission).

Allele frequency attached by ClinVar (database versions not stated): gnomAD exomes below 0.00001; TOPMed below 0.00001; gnomAD 0.00001.

Submission:

Labcorp Genetics (formerly Invitae), Labcorp
Classification: Uncertain significance. Last evaluated: 2021-04-24. Review status: criteria provided, single submitter. Criteria: Invitae Variant Classification Sherloc (09022015). Collection method: clinical testing. Allele origin: germline.
Comment: This variant is not present in population databases (ExAC no frequency). This sequence change replaces methionine with valine at codon 108 of the PRPF8 protein (p.Met108Val). The methionine residue is highly conserved and there is a small physicochemical difference between methionine and valine. This variant has not been reported in the literature in individuals with PRPF8-related conditions. In summary, the available evidence is currently insufficient to determine the role of this variant in disease. Therefore, it has been classified as a Variant of Uncertain Significance. Algorithms developed to predict the effect of missense changes on protein structure and function are either unavailable or do not agree on the potential impact of this missense change (SIFT: "Tolerated"; PolyPhen-2: "Possibly Damaging"; Align-GVGD: "Class C0").